The following is an entry in ClinVar:

ClinVar aggregate classification (germline): Pathogenic (1 of 4 stars; one submission).

Conditions:
Multiple endocrine neoplasia, type 2 (MEN2). Identifiers: Orphanet 653, MedGen C4048306, MONDO:0019003. Disease mechanism: gain of function.

Submission:

Labcorp Genetics (formerly Invitae), Labcorp
Classification: Pathogenic for Multiple endocrine neoplasia, type 2. Last evaluated: 2023-05-22. Review status: criteria provided, single submitter. Criteria: Invitae Variant Classification Sherloc (09022015). Collection method: clinical testing. Allele origin: germline.
Comment: This sequence change creates a premature translational stop signal (p.Ile364Asnfs*10) in the RET gene. It is expected to result in an absent or disrupted protein product. Loss-of-function variants in RET are known to be pathogenic (PMID: 22174939, 22648184). This variant is not present in population databases (gnomAD no frequency). This variant has not been reported in the literature in individuals affected with RET-related conditions. Algorithms developed to predict the effect of sequence changes on RNA splicing suggest that this variant may create or strengthen a splice site. For these reasons, this variant has been classified as Pathogenic.

Literature cited by the submitters: PubMed 22174939; PubMed 22648184.

NM_020975.6(RET):c.1091_1104del (p.Ile364fs)

Gene: RET (ret proto-oncogene; plus strand). Cytogenetic location: 10q11.21.
Variant type: Deletion.
Coding change: c.1091_1104del on transcript NM_020975.6 (MANE Select); coding-DNA positions 1091 to 1104, 14 bases deleted (TCTCGGAGAACCGC).
Protein change: p.Ile364fs; shifts the reading frame from isoleucine 364.
Molecular consequence: frameshift variant. On other transcripts: intron variant (18).
Genome position (GRCh38, 1-based): chr10:43,109,058-43,109,071, TCTCGGAGAACCGC deleted. VCF-style (leftmost placement, unchanged base first): chr10-43109057-ATCTCGGAGAACCGC-A. GRCh37 (hg19) VCF-style: chr10-43604505-ATCTCGGAGAACCGC-A.
Other names: c.1091_1104delTCTCGGAGAACCGC, p.Ile364Asnfs (NM_000323.2, NM_020629.2); c.329_342del, p.Ile110fs (NM_001355216.2); c.1091_1104del, p.Ile364fs (NM_001406743.1, NM_001406744.1, NM_001406759.1 and 4 more transcripts); c.962_975del, p.Ile321fs (NM_001406761.1, NM_001406762.1, NM_001406764.1 and 1 more transcripts); c.803_816del, p.Ile268fs (NM_001406766.1, NM_001406767.1, NM_001406770.1); c.653_666del, p.Ile218fs (NM_001406771.1, NM_001406773.1); c.365_378del, p.Ile122fs (NM_001406775.1, NM_001406776.1, NM_001406777.1 and 1 more transcripts); c.101_114del, p.Ile34fs (NM_001406784.1); and 6 more; short protein forms I34fs, I364fs, I122fs, I268fs, I110fs, I218fs, I321fs.
Identifiers: ClinVar variation 2866872 (VCV002866872.3), dbSNP rs2538423470, ClinGen allele CA2739265339.